The following is an entry in ClinVar:

NM_001142864.4(PIEZO1):c.6969G>C (p.Lys2323Asn)

Gene: PIEZO1 (piezo type mechanosensitive ion channel component 1 (Er blood group); minus strand). Cytogenetic location: 16q24.3.
Variant type: single nucleotide variant.
Coding change: c.6969G>C on transcript NM_001142864.4 (MANE Select); coding-DNA position 6969, G replaced by C.
Protein change: p.Lys2323Asn; replaces lysine 2323 with asparagine.
Molecular consequence: missense variant.
Genome position (GRCh38, 1-based): chr16:88,716,441, C>G on the plus strand (G>C on the coding strand, the complement: PIEZO1 is on the minus strand). VCF-style: chr16-88716441-C-G. GRCh37 (hg19) VCF-style: chr16-88782849-C-G.
Other names: short protein forms K2323N.
Identifiers: ClinVar variation 1307227 (VCV001307227.2), dbSNP rs951572334, ClinGen allele CA286406482.

ClinVar aggregate classification (germline): Uncertain significance (1 of 4 stars; one submission).

gnomAD v4.1: 16 of 1,549,670 alleles (0.001%); highest among the groups gnomAD compares: African/African-American, 0.0014%; no homozygotes.

Submission:

GeneDx
Classification: Uncertain significance. Last evaluated: 2019-08-08. Review status: criteria provided, single submitter. Criteria: GeneDx Variant Classification Process June 2021. Collection method: clinical testing. Allele origin: germline. Affected: yes.
Comment: Not observed in large population cohorts (Lek et al., 2016); In silico analysis, which includes protein predictors and evolutionary conservation, supports a deleterious effect; Has not been previously published as pathogenic or benign to our knowledge